The following is an entry in ClinVar:

NM_000388.4(CASR):c.740C>T (p.Ser247Phe)

Gene: CASR (calcium sensing receptor; plus strand). Cytogenetic location: 3q21.1.
Variant type: single nucleotide variant.
Coding change: c.740C>T on transcript NM_000388.4 (MANE Select); coding-DNA position 740, C replaced by T.
Protein change: p.Ser247Phe; replaces serine 247 with phenylalanine.
Molecular consequence: missense variant.
Genome position (GRCh38, 1-based): chr3:122,261,775, C>T. VCF-style: chr3-122261775-C-T. GRCh37 (hg19) VCF-style: chr3-121980622-C-T.
Other names: c.740C>T, p.Ser247Phe (NM_001178065.2); short protein forms S247F.
Identifiers: ClinVar variation 64438 (VCV000064438.18), dbSNP rs200382161, ClinGen allele CA216140.
Genomic context (GRCh38, chr3:122,261,775, plus strand): 5'-GAGAGGAAGCTGAGGAAAGGGATATCTGCATCGACTTCAGTGAACTCATCTCCCAGTACT[C>T]TGATGAGGAAGAGATCCAGCATGTGGTAGAGGTGATTCAAAATTCCACGGCCAAAGTCAT-3'
Protein context (NP_000379.3, residues 237-257): IDFSELISQY[Ser247Phe]DEEEIQHVVE

ClinVar aggregate classification (germline): Conflicting classifications of pathogenicity. Review status: criteria provided, conflicting classifications (1 of 4 stars). 7 submissions from 7 submitters: Uncertain significance (4); Benign (1); Likely benign (1). 1 of the submissions does not count toward it. Last evaluated 2026-01-29.

Conditions:
Autosomal dominant hypocalcemia 1 (HYPOC1). Also called: HYPOCALCEMIA, FAMILIAL. Identifiers: MedGen C3715128, MONDO:0011013, OMIM 601198.
Familial hypocalciuric hypercalcemia (FHH). Also called: Familial benign hypercalcemia. Identifiers: Orphanet 405, MedGen C1809471, MONDO:0018458.
Nephrolithiasis/nephrocalcinosis. Identifiers: MedGen CN580796.
Familial hypocalciuric hypercalcemia 1. Also called: Hypercalcemia, familial benign type 1. Identifiers: Orphanet 405, Orphanet 93372, MedGen C0342637, MONDO:0007791, OMIM 145980.
Epilepsy, idiopathic generalized, susceptibility to, 8. Identifiers: MedGen C2752062, MONDO:0013032, OMIM 612899.
Neonatal severe primary hyperparathyroidism. Identifiers: Orphanet 417, MedGen C1832615, MONDO:0009397, OMIM 239200.

Allele frequency attached by ClinVar (database versions not stated): gnomAD 0.00010; gnomAD exomes 0.00006 and 0.00005; ExAC 0.00003; ESP Exome Variant Server 0.00015; TOPMed 0.00004.

Submissions (7):

GeneDx
Classification: Uncertain significance. Last evaluated: 2026-01-29. Review status: criteria provided, single submitter. Criteria: GeneDx Variant Classification Process June 2021. Collection method: clinical testing. Allele origin: germline.
Comment: Observed in the heterozygous state in individuals with familial hypoparathyroidism and/or hypocalcemia (PMID: 22192860, 32386559); In silico analysis suggests that this missense variant does not alter protein structure/function; This variant is associated with the following publications: (PMID: 22192860, 32386559, 40664210, 24735972, 35399047)

Labcorp Genetics (formerly Invitae), Labcorp
Classification: Likely benign for Familial hypocalciuric hypercalcemia; Autosomal dominant hypocalcemia 1. Last evaluated: 2026-01-21. Review status: criteria provided, single submitter. Criteria: Invitae Variant Classification Sherloc (09022015). Collection method: clinical testing. Allele origin: germline.

Fulgent Genetics
Classification: Uncertain significance for Familial hypocalciuric hypercalcemia 1; Neonatal severe primary hyperparathyroidism; Autosomal dominant hypocalcemia 1; Epilepsy, idiopathic generalized, susceptibility to, 8. Last evaluated: 2024-03-21. Review status: criteria provided, single submitter. Criteria: ACMG Guidelines, 2015. Collection method: clinical testing. Allele origin: germline.

Ambry Genetics
Classification: Benign for Nephrolithiasis/nephrocalcinosis. Last evaluated: 2024-02-02. Review status: criteria provided, single submitter. Criteria: Ambry Variant Classification Scheme 2023. Collection method: clinical testing. Allele origin: germline.

Department of Pathology and Laboratory Medicine, Sinai Health System
Classification: Uncertain significance for Epilepsy, idiopathic generalized, susceptibility to, 8; Neonatal severe primary hyperparathyroidism; Familial hypocalciuric hypercalcemia 1; Autosomal dominant hypocalcemia 1. Last evaluated: 2022-03-17. Review status: criteria provided, single submitter. Criteria: ACMG Guidelines, 2015. Collection method: research. Allele origin: germline.

Institute for Clinical Genetics, University Hospital TU Dresden, University Hospital TU Dresden
Classification: Uncertain significance. Last evaluated: 2021-11-03. Review status: criteria provided, single submitter. Criteria: ACMG Guidelines, 2015. Collection method: clinical testing. Allele origin: germline.

Martin Pollak Laboratory,  Beth Israel Deaconess Medical Center
Classification: Uncertain significance. Review status: no assertion criteria provided. Collection method: not provided. Allele origin: unknown. Not counted in ClinVar's aggregate classification.
Comment: Lower UCa2+ group
ClinVar note: Converted during submission from unknown to Uncertain significance.

Literature cited by the submitters: PubMed 22192860 (cited by Ambry Genetics); PubMed 24735972 (cited by Ambry Genetics).